The following is an entry in ClinVar:

NM_024675.4(PALB2):c.732G>C (p.Arg244Ser)

Gene: PALB2 (partner and localizer of BRCA2; minus strand). Cytogenetic location: 16p12.2.
Variant type: single nucleotide variant.
Coding change: c.732G>C on transcript NM_024675.4 (MANE Select); coding-DNA position 732, G replaced by C.
Protein change: p.Arg244Ser; replaces arginine 244 with serine.
Molecular consequence: missense variant.
Genome position (GRCh38, 1-based): chr16:23,635,814, C>G on the plus strand (G>C on the coding strand, the complement: PALB2 is on the minus strand). VCF-style: chr16-23635814-C-G. GRCh37 (hg19) VCF-style: chr16-23647135-C-G.
Other names: c.672G>C, p.Arg224Ser (NM_001407296.1); c.732G>C, p.Arg244Ser (NM_001407297.1, NM_001407298.1, NM_001407299.1 and 3 more transcripts); c.-154G>C (NM_001407304.1, NM_001407305.1, NM_001407306.1 and 5 more transcripts); short protein forms R224S, R244S.
Identifiers: ClinVar variation 2104591 (VCV002104591.4), dbSNP rs2142436158, ClinGen allele CA395136259.

ClinVar aggregate classification (germline): Uncertain significance (1 of 4 stars; one submission).

Conditions:
Familial cancer of breast. Also called: Hereditary breast cancer; hereditary breast carcinoma; BREAST CANCER, FAMILIAL. Identifiers: Orphanet 227535, MedGen C0346153, MONDO:0016419, OMIM 114480. Disease mechanism: loss of function.

Submission:

Labcorp Genetics (formerly Invitae), Labcorp
Classification: Uncertain significance for Familial cancer of breast. Last evaluated: 2022-02-28. Review status: criteria provided, single submitter. Criteria: Invitae Variant Classification Sherloc (09022015). Collection method: clinical testing. Allele origin: germline.
Comment: In summary, the available evidence is currently insufficient to determine the role of this variant in disease. Therefore, it has been classified as a Variant of Uncertain Significance. Algorithms developed to predict the effect of missense changes on protein structure and function output the following: SIFT: "Tolerated"; PolyPhen-2: "Benign"; Align-GVGD: "Class C0". The serine amino acid residue is found in multiple mammalian species, which suggests that this missense change does not adversely affect protein function. This variant has not been reported in the literature in individuals affected with PALB2-related conditions. This variant is not present in population databases (gnomAD no frequency). This sequence change replaces arginine, which is basic and polar, with serine, which is neutral and polar, at codon 244 of the PALB2 protein (p.Arg244Ser).